The following is an entry in ClinVar:

ClinVar aggregate classification (germline): Benign/Likely benign. Review status: criteria provided, multiple submitters, no conflicts (2 of 4 stars). 5 submissions from 5 submitters: Benign (2); Likely benign (3). Last evaluated 2026-06-01.

Conditions:
Familial thoracic aortic aneurysm and aortic dissection (TAAD). Also called: Thoracic aortic aneurysms and dissections. Identifiers: Orphanet 91387, MedGen C4707243, MONDO:0019625.
Aortic aneurysm, familial thoracic 6 (AAT6). Also called: FAMILIAL THORACIC AORTIC ANEURYSM WITH LIVEDO RETICULARIS AND IRIS FLOCCULI. Identifiers: MedGen C2673186, MONDO:0012730, OMIM 611788.

Allele frequency attached by ClinVar (database versions not stated): gnomAD 0.00001; gnomAD exomes 0.00001 and 0.00006; ExAC 0.00008.
gnomAD v4.1: 23 of 1,613,928 alleles (0.0014%); highest among the groups gnomAD compares: Admixed American, 0.023%; no homozygotes.

Submissions (5):

CeGaT Center for Human Genetics Tuebingen
Classification: Likely benign. Last evaluated: 2026-06-01. Review status: criteria provided, single submitter. Criteria: CeGaT Center For Human Genetics Tuebingen Variant Classification Criteria Version 2. Collection method: clinical testing. Allele origin: germline. Affected: yes. Observed: 1 variant allele.
Comment: ACTA2: BP4, BP7

Labcorp Genetics (formerly Invitae), Labcorp
Classification: Likely benign for Aortic aneurysm, familial thoracic 6. Last evaluated: 2025-10-08. Review status: criteria provided, single submitter. Criteria: Invitae Variant Classification Sherloc (09022015). Collection method: clinical testing. Allele origin: germline.

All of Us Research Program, National Institutes of Health
Classification: Benign for Familial thoracic aortic aneurysm and aortic dissection. Last evaluated: 2023-11-30. Review status: criteria provided, single submitter. Criteria: ACMG Guidelines, 2015. Collection method: clinical testing. Allele origin: germline. Inheritance: Autosomal dominant inheritance. Observed: 4 variant alleles, 4 heterozygotes.
Comment: This study involves interpretation of variants in research participants for the purpose of population health screening. Participant phenotype was not available at the time of variant classification. Additional details can be found in publication PMID: 35346344, PMCID: PMC8962531

Color Diagnostics, LLC DBA Color Health
Classification: Benign for Familial thoracic aortic aneurysm and aortic dissection. Last evaluated: 2022-04-28. Review status: criteria provided, single submitter. Criteria: ACMG Guidelines, 2015. Collection method: clinical testing. Allele origin: germline.

Ambry Genetics
Classification: Likely benign for Familial thoracic aortic aneurysm and aortic dissection. Last evaluated: 2021-11-24. Review status: criteria provided, single submitter. Criteria: Ambry Variant Classification Scheme 2023. Collection method: clinical testing. Allele origin: germline.

NM_001613.4(ACTA2):c.696C>T (p.Ala232=)

Genes: ACTA2 (actin alpha 2, smooth muscle; minus strand), ACTA2-AS1 (ACTA2 antisense RNA 1; plus strand). Cytogenetic location: 10q23.31.
Variant type: single nucleotide variant.
Coding change: c.696C>T on transcript NM_001613.4 (MANE Select); coding-DNA position 696, C replaced by T.
Protein change: p.Ala232=; no amino-acid change (alanine 232 retained).
Molecular consequence: synonymous variant. On other transcripts: non-coding transcript variant (1), intron variant (1).
Genome position (GRCh38, 1-based): chr10:88,939,619, G>A on the plus strand (C>T on the coding strand, the complement: ACTA2 is on the minus strand). VCF-style: chr10-88939619-G-A. GRCh37 (hg19) VCF-style: chr10-90699376-G-A.
Other names: c.696C>T, p.Ala232= (NM_001141945.3, NM_001320855.2, NM_001406462.1 and 2 more transcripts); c.585C>T, p.Ala195= (NM_001406466.1); c.567C>T, p.Ala189= (NM_001406467.1, NM_001406468.1, NM_001406469.1); c.617-1377C>T (NM_001406471.1).
Identifiers: ClinVar variation 1532707 (VCV001532707.14), dbSNP rs749557185, ClinGen allele CA029245.